The following is an entry in ClinVar:

ClinVar aggregate classification (germline): Uncertain significance (1 of 4 stars; one submission).

Submission:

GeneDx
Classification: Uncertain significance. Last evaluated: 2024-07-13. Review status: criteria provided, single submitter. Criteria: GeneDx Variant Classification Process June 2021. Collection method: clinical testing. Allele origin: germline. Affected: yes.
Comment: Not observed at significant frequency in large population cohorts (gnomAD); In silico analysis supports that this missense variant has a deleterious effect on protein structure/function; Has not been previously published as pathogenic or benign to our knowledge

NM_005121.3(MED13):c.5215G>C (p.Gly1739Arg)

Gene: MED13 (mediator complex subunit 13; minus strand). Cytogenetic location: 17q23.2.
Variant type: single nucleotide variant.
Coding change: c.5215G>C on transcript NM_005121.3 (MANE Select); coding-DNA position 5215, G replaced by C.
Protein change: p.Gly1739Arg; replaces glycine 1739 with arginine.
Molecular consequence: missense variant.
Genome position (GRCh38, 1-based): chr17:61,961,629, C>G on the plus strand (G>C on the coding strand, the complement: MED13 is on the minus strand). VCF-style: chr17-61961629-C-G. GRCh37 (hg19) VCF-style: chr17-60038990-C-G.
Other names: short protein forms G1739R.
Identifiers: ClinVar variation 3572455 (VCV003572455.1).